The following is an entry in ClinVar:

ClinVar aggregate classification (germline): Likely benign (1 of 4 stars; one submission).

Allele frequency attached by ClinVar (database versions not stated): 1000 Genomes Project 0.00200; 1000 Genomes Project 30x 0.00250; ExAC 0.00380; ESP Exome Variant Server 0.00502.
gnomAD v4.1: 13,227 of 1,610,588 alleles (0.82%); highest among the groups gnomAD compares: Non-Finnish European, 1.1%; 86 homozygotes.

Submission:

CeGaT Center for Human Genetics Tuebingen
Classification: Likely benign. Last evaluated: 2023-04-01. Review status: criteria provided, single submitter. Criteria: CeGaT Center For Human Genetics Tuebingen Variant Classification Criteria Version 2. Collection method: clinical testing. Allele origin: germline. Affected: yes. Observed: 1 variant allele.
Comment: MFSD12: BS2

NM_174983.5(MFSD12):c.1183G>A (p.Gly395Ser)

Gene: MFSD12 (major facilitator superfamily domain containing 12; minus strand). Cytogenetic location: 19p13.3.
Variant type: single nucleotide variant.
Coding change: c.1183G>A on transcript NM_174983.5 (MANE Select); coding-DNA position 1183, G replaced by A.
Protein change: p.Gly395Ser; replaces glycine 395 with serine.
Molecular consequence: missense variant.
Genome position (GRCh38, 1-based): chr19:3,546,266, C>T on the plus strand (G>A on the coding strand, the complement: MFSD12 is on the minus strand). VCF-style: chr19-3546266-C-T. GRCh37 (hg19) VCF-style: chr19-3546264-C-T.
Other names: c.1156G>A, p.Gly386Ser (NM_001287529.2); short protein forms G386S, G395S.
Identifiers: ClinVar variation 2648992 (VCV002648992.24), dbSNP rs34878396, ClinGen allele CA9079268.